The following is an entry in ClinVar:

ClinVar aggregate classification (germline): Uncertain significance. Review status: criteria provided, multiple submitters, no conflicts (2 of 4 stars). 4 submissions from 4 submitters: Uncertain significance (3). 1 of the submissions does not count toward it. Last evaluated 2025-03-25.

Conditions:
LRBA-related disorder. Also called: LRBA-related condition.
Inborn genetic diseases. Identifiers: MedGen C0950123, MeSH D030342.
Combined immunodeficiency due to LRBA deficiency. Also called: Common variable immunodeficiency 8, with autoimmunity. Identifiers: Orphanet 445018, MedGen C3553512, MONDO:0013863, OMIM 614700.

Allele frequency attached by ClinVar (database versions not stated): gnomAD 0.00002 and 0.00003; gnomAD exomes 0.00002; TOPMed 0.00003; ExAC 0.00004.
gnomAD v4.1: 41 of 1,613,432 alleles (0.0025%); highest among the groups gnomAD compares: South Asian, 0.0077%; no homozygotes.

Submissions (4):

Ambry Genetics
Classification: Uncertain significance for Inborn genetic diseases. Last evaluated: 2025-03-25. Review status: criteria provided, single submitter. Criteria: Ambry Variant Classification Scheme 2023. Collection method: clinical testing. Allele origin: germline.

Labcorp Genetics (formerly Invitae), Labcorp
Classification: Uncertain significance for Combined immunodeficiency due to LRBA deficiency. Last evaluated: 2022-05-25. Review status: criteria provided, single submitter. Criteria: Invitae Variant Classification Sherloc (09022015). Collection method: clinical testing. Allele origin: germline.
Comment: This sequence change replaces arginine, which is basic and polar, with glutamine, which is neutral and polar, at codon 2854 of the LRBA protein (p.Arg2854Gln). This variant is present in population databases (rs200336029, gnomAD 0.004%). This variant has not been reported in the literature in individuals affected with LRBA-related conditions. ClinVar contains an entry for this variant (Variation ID: 857551). Algorithms developed to predict the effect of missense changes on protein structure and function are either unavailable or do not agree on the potential impact of this missense change (SIFT: "Tolerated"; PolyPhen-2: "Probably Damaging"; Align-GVGD: "Class C0"). Algorithms developed to predict the effect of sequence changes on RNA splicing suggest that this variant may create or strengthen a splice site. In summary, the available evidence is currently insufficient to determine the role of this variant in disease. Therefore, it has been classified as a Variant of Uncertain Significance.

Neuberg Centre For Genomic Medicine, NCGM
Classification: Uncertain significance for Combined immunodeficiency due to LRBA deficiency. Review status: criteria provided, single submitter. Criteria: ACMG Guidelines, 2015. Collection method: clinical testing. Allele origin: germline. Inheritance: Autosomal recessive inheritance. Affected: yes.
Comment: The missense variant c.8528G>A (p.Arg2843Gln) has been submitted to ClinVar as a Variant of Uncertain Significance, but no details are available for independent assessment. The p.Arg2843Gln variant has allele frequency of 0.002850% in the gnomAD and novel (not in any individuals) in 1000 genome database. The amino acid Arg at position 2843 is changed to a Gln changing protein sequence and it might alter its composition and physico-chemical properties. The amino acid change p.Arg2843Gln in LRBA is predicted as conserved by GERP++ and PhyloP across 100 vertebrates. For these reasons, this variant has been classified as Uncertain Significance. In the absence of another variant , the molecular diagnosis can not be confirmed.

PreventionGenetics, part of Exact Sciences
Classification: Uncertain significance for LRBA-related condition. Last evaluated: 2024-05-10. Review status: no assertion criteria provided. Collection method: clinical testing. Allele origin: germline. Not counted in ClinVar's aggregate classification.
Comment: The LRBA c.8561G>A variant is predicted to result in the amino acid substitution p.Arg2854Gln. To our knowledge, this variant has not been reported in the literature. This variant is reported in 0.0040% of alleles in individuals of African descent in gnomAD. At this time, the clinical significance of this variant is uncertain due to the absence of conclusive functional and genetic evidence.

NM_001364905.1(LRBA):c.8528G>A (p.Arg2843Gln)

Gene: LRBA (LPS responsive beige-like anchor protein; minus strand). Cytogenetic location: 4q31.3.
Variant type: single nucleotide variant.
Coding change: c.8528G>A on transcript NM_001364905.1 (MANE Select); coding-DNA position 8528, G replaced by A.
Protein change: p.Arg2843Gln; replaces arginine 2843 with glutamine.
Molecular consequence: missense variant.
Genome position (GRCh38, 1-based): chr4:150,265,753, C>T on the plus strand (G>A on the coding strand, the complement: LRBA is on the minus strand). VCF-style: chr4-150265753-C-T. GRCh37 (hg19) VCF-style: chr4-151186905-C-T.
Other names: c.8525G>A, p.Arg2842Gln (NM_001199282.3); c.8543G>A, p.Arg2848Gln (NM_001367550.1); c.8561G>A, p.Arg2854Gln (NM_006726.5); short protein forms R2854Q, R2843Q, R2842Q, R2848Q.
Identifiers: ClinVar variation 857551 (VCV000857551.9), dbSNP rs200336029, ClinGen allele CA3101310.